The following is an entry in ClinVar:

ClinVar aggregate classification (germline): Uncertain significance (1 of 4 stars; one submission).

Conditions:
Ataxia-telangiectasia syndrome (AT). Also called: Cerebello-oculocutaneous telangiectasia; Immunodeficiency with ataxia telangiectasia; ATAXIA-TELANGIECTASIA, COMPLEMENTATION GROUP A; ATAXIA-TELANGIECTASIA, FRESNO VARIANT; Ataxia-telangiectasia, complementation group E; LOUIS-BAR SYNDROME. Identifiers: Orphanet 100, MedGen C0004135, MONDO:0008840, OMIM 208900.

Submission:

Labcorp Genetics (formerly Invitae), Labcorp
Classification: Uncertain significance for Ataxia-telangiectasia syndrome. Last evaluated: 2022-09-08. Review status: criteria provided, single submitter. Criteria: Invitae Variant Classification Sherloc (09022015). Collection method: clinical testing. Allele origin: germline.
Comment: ClinVar contains an entry for this variant (Variation ID: 1516818). This variant has not been reported in the literature in individuals affected with ATM-related conditions. This variant is not present in population databases (gnomAD no frequency). This sequence change replaces lysine, which is basic and polar, with asparagine, which is neutral and polar, at codon 1402 of the ATM protein (p.Lys1402Asn). Algorithms developed to predict the effect of missense changes on protein structure and function are either unavailable or do not agree on the potential impact of this missense change (SIFT: "Tolerated"; PolyPhen-2: "Possibly Damaging"; Align-GVGD: "Class C15"). In summary, the available evidence is currently insufficient to determine the role of this variant in disease. Therefore, it has been classified as a Variant of Uncertain Significance.

NM_000051.4(ATM):c.4206A>C (p.Lys1402Asn)

Gene: ATM (ATM serine/threonine kinase; plus strand). Cytogenetic location: 11q22.3.
Variant type: single nucleotide variant.
Coding change: c.4206A>C on transcript NM_000051.4 (MANE Select); coding-DNA position 4206, A replaced by C.
Protein change: p.Lys1402Asn; replaces lysine 1402 with asparagine.
Molecular consequence: missense variant.
Genome position (GRCh38, 1-based): chr11:108,289,073, A>C. VCF-style: chr11-108289073-A-C. GRCh37 (hg19) VCF-style: chr11-108159800-A-C.
Other names: c.4206A>C, p.Lys1402Asn (NM_001351834.2); short protein forms K1402N.
Identifiers: ClinVar variation 1516818 (VCV001516818.8), dbSNP rs2135753163, ClinGen allele CA382530391.